The following is an entry in ClinVar:

ClinVar aggregate classification (germline): Uncertain significance (1 of 4 stars; one submission).

Conditions:
Fetal akinesia deformation sequence 1 (FADS1). Also called: Fetal akinesia sequence; Pena-Shokeir syndrome type I. Identifiers: Orphanet 994, MedGen C1276035, MONDO:0100101, OMIM 208150, HP:0001989.
Congenital myasthenic syndrome 10. Also called: Myasthenia, limb-girdle, familial. Identifiers: Orphanet 590, MedGen C1850792, MONDO:0009690, OMIM 254300.

Submission:

Labcorp Genetics (formerly Invitae), Labcorp
Classification: Uncertain significance for Congenital myasthenic syndrome 10; Fetal akinesia deformation sequence 1. Last evaluated: 2022-06-10. Review status: criteria provided, single submitter. Criteria: Invitae Variant Classification Sherloc (09022015). Collection method: clinical testing. Allele origin: germline.
Comment: In summary, the available evidence is currently insufficient to determine the role of this variant in disease. Therefore, it has been classified as a Variant of Uncertain Significance. Algorithms developed to predict the effect of missense changes on protein structure and function are either unavailable or do not agree on the potential impact of this missense change (SIFT: "Deleterious"; PolyPhen-2: "Possibly Damaging"; Align-GVGD: "Class C0"). This variant has not been reported in the literature in individuals affected with DOK7-related conditions. This variant is not present in population databases (gnomAD no frequency). This sequence change replaces isoleucine, which is neutral and non-polar, with phenylalanine, which is neutral and non-polar, at codon 144 of the DOK7 protein (p.Ile144Phe).

NM_173660.5(DOK7):c.430A>T (p.Ile144Phe)

Gene: DOK7 (docking protein 7; plus strand). Cytogenetic location: 4p16.3.
Variant type: single nucleotide variant.
Coding change: c.430A>T on transcript NM_173660.5 (MANE Select); coding-DNA position 430, A replaced by T.
Protein change: p.Ile144Phe; replaces isoleucine 144 with phenylalanine.
Molecular consequence: missense variant. On other transcripts: intron variant (1).
Genome position (GRCh38, 1-based): chr4:3,476,440, A>T. VCF-style: chr4-3476440-A-T. GRCh37 (hg19) VCF-style: chr4-3478167-A-T.
Other names: c.430A>T, p.Ile144Phe (NM_001164673.2, NM_001301071.2); c.101-9099A>T (NM_001363811.2); short protein forms I144F.
Identifiers: ClinVar variation 1956611 (VCV001956611.5), dbSNP rs2475008531, ClinGen allele CA356114315.